The following is an entry in ClinVar:

NM_003482.4(KMT2D):c.11671G>A (p.Ala3891Thr)

Gene: KMT2D (lysine methyltransferase 2D; minus strand). Cytogenetic location: 12q13.12.
Variant type: single nucleotide variant.
Coding change: c.11671G>A on transcript NM_003482.4 (MANE Select); coding-DNA position 11671, G replaced by A.
Protein change: p.Ala3891Thr; replaces alanine 3891 with threonine.
Molecular consequence: missense variant.
Genome position (GRCh38, 1-based): chr12:49,033,034, C>T on the plus strand (G>A on the coding strand, the complement: KMT2D is on the minus strand). VCF-style: chr12-49033034-C-T. GRCh37 (hg19) VCF-style: chr12-49426817-C-T.
Other names: short protein forms A3891T.
Identifiers: ClinVar variation 1359014 (VCV001359014.34), dbSNP rs886049476, ClinGen allele CA10637636.

ClinVar aggregate classification (germline): Conflicting classifications of pathogenicity. Review status: criteria provided, conflicting classifications (1 of 4 stars). 5 submissions from 5 submitters: Uncertain significance (3); Likely benign (1). 1 of the submissions does not count toward it. Last evaluated 2025-11-15.

Conditions:
Left ventricular noncompaction. Identifiers: Orphanet 54260, MedGen C1960469, MONDO:0018901, HP:0030682.
KMT2D-related disorder. Also called: KMT2D-Related Disorders.
Kabuki syndrome. Also called: Kabuki make-up syndrome; NIIKAWA-KUROKI SYNDROME. Identifiers: Orphanet 2322, MedGen C0796004, MONDO:0016512.

Allele frequency attached by ClinVar (database versions not stated): gnomAD 0.00001; TOPMed 0.00003.
gnomAD v4.1: 35 of 1,551,152 alleles (0.0023%); highest among the groups gnomAD compares: Non-Finnish European, 0.0027%; no homozygotes.

Submissions (5):

Labcorp Genetics (formerly Invitae), Labcorp
Classification: Uncertain significance for Kabuki syndrome. Last evaluated: 2025-11-15. Review status: criteria provided, single submitter. Criteria: Invitae Variant Classification Sherloc (09022015). Collection method: clinical testing. Allele origin: germline.
Comment: This sequence change replaces alanine, which is neutral and non-polar, with threonine, which is neutral and polar, at codon 3891 of the KMT2D protein (p.Ala3891Thr). This variant is not present in population databases (gnomAD no frequency). This variant has not been reported in the literature in individuals affected with KMT2D-related conditions. ClinVar contains an entry for this variant (Variation ID: 1359014). Invitae Evidence Modeling of protein sequence and biophysical properties (such as structural, functional, and spatial information, amino acid conservation, physicochemical variation, residue mobility, and thermodynamic stability) indicates that this missense variant is not expected to disrupt KMT2D protein function with a negative predictive value of 95%. In summary, the available evidence is currently insufficient to determine the role of this variant in disease. Therefore, it has been classified as a Variant of Uncertain Significance.

Women's Health and Genetics/Laboratory Corporation of America, LabCorp
Classification: Uncertain significance. Last evaluated: 2025-11-07. Review status: criteria provided, single submitter. Criteria: LabCorp Variant Classification Summary - May 2015. Collection method: clinical testing. Allele origin: germline.
Comment: Variant summary: KMT2D c.11671G>A (p.Ala3891Thr) results in a non-conservative amino acid change in the encoded protein sequence. Algorithms developed to predict the effect of missense changes on protein structure and function are either unavailable or do not agree on the potential impact of this missense change. The variant was absent in 154770 control chromosomes. The available data on variant occurrences in the general population are insufficient to allow any conclusion about variant significance. To our knowledge, no occurrence of c.11671G>A in individuals affected with KMT2D-related conditions and no experimental evidence demonstrating its impact on protein function have been reported. ClinVar contains an entry for this variant (Variation ID: 1359014). Based on the evidence outlined above, the variant was classified as uncertain significance.

CeGaT Center for Human Genetics Tuebingen
Classification: Uncertain significance. Last evaluated: 2024-01-01. Review status: criteria provided, single submitter. Criteria: CeGaT Center For Human Genetics Tuebingen Variant Classification Criteria Version 2. Collection method: clinical testing. Allele origin: germline. Affected: yes. Observed: 1 variant allele.
Comment: KMT2D: PM2:Supporting, BP4

Cambridge Genomics Laboratory, East Genomic Laboratory Hub, NHS Genomic Medicine Service
Classification: Likely benign for Left ventricular noncompaction. Last evaluated: 2020-02-11. Review status: criteria provided, single submitter. Criteria: ACGS Best Practice Guidelines for Variant Classification in Rare Disease 2020. Collection method: clinical testing. Allele origin: germline. Affected: yes. Observed: 1 variant allele.

PreventionGenetics, part of Exact Sciences
Classification: Uncertain significance for KMT2D-related condition. Last evaluated: 2024-06-03. Review status: no assertion criteria provided. Collection method: clinical testing. Allele origin: germline. Not counted in ClinVar's aggregate classification.
Comment: The KMT2D c.11671G>A variant is predicted to result in the amino acid substitution p.Ala3891Thr. To our knowledge, this variant has not been reported in the literature or in a large population database, indicating this variant is rare. At this time, the clinical significance of this variant is uncertain due to the absence of conclusive functional and genetic evidence.